The following is an entry in ClinVar:

ClinVar aggregate classification (germline): Uncertain significance. Review status: criteria provided, multiple submitters, no conflicts (2 of 4 stars). 3 submissions from 3 submitters: Uncertain significance (3). Last evaluated 2025-06-12.

Conditions:
Congenital nephrotic syndrome. Also called: Familial nephrotic syndrome. Identifiers: MedGen C3501848, MeSH C535761, MONDO:0002350, HP:0008677.
Inborn genetic diseases. Identifiers: MedGen C0950123, MeSH D030342.

Allele frequency attached by ClinVar (database versions not stated): TOPMed 0.00001.
gnomAD v4.1: 5 of 1,607,482 alleles (0.00031%); highest among the groups gnomAD compares: Non-Finnish European, 0.00042%; no homozygotes.

Submissions (3):

Ambry Genetics
Classification: Uncertain significance for Inborn genetic diseases. Last evaluated: 2025-06-12. Review status: criteria provided, single submitter. Criteria: Ambry Variant Classification Scheme 2023. Collection method: clinical testing. Allele origin: germline.

Labcorp Genetics (formerly Invitae), Labcorp
Classification: Uncertain significance. Last evaluated: 2021-08-24. Review status: criteria provided, single submitter. Criteria: Invitae Variant Classification Sherloc (09022015). Collection method: clinical testing. Allele origin: germline.
Comment: This sequence change replaces leucine with arginine at codon 734 of the NPHS1 protein (p.Leu734Arg). The leucine residue is highly conserved and there is a moderate physicochemical difference between leucine and arginine. This variant is not present in population databases (ExAC no frequency). This variant has not been reported in the literature in individuals affected with NPHS1-related conditions. ClinVar contains an entry for this variant (Variation ID: 890217). Advanced modeling of protein sequence and biophysical properties (such as structural, functional, and spatial information, amino acid conservation, physicochemical variation, residue mobility, and thermodynamic stability) performed at Invitae indicates that this missense variant is expected to disrupt NPHS1 protein function. In summary, the available evidence is currently insufficient to determine the role of this variant in disease. Therefore, it has been classified as a Variant of Uncertain Significance.

Illumina Laboratory Services, Illumina
Classification: Uncertain significance for Congenital nephrotic syndrome. Last evaluated: 2018-01-13. Review status: criteria provided, single submitter. Criteria: ICSL Variant Classification Criteria 13 December 2019. Collection method: clinical testing. Allele origin: germline.

NM_004646.4(NPHS1):c.2201T>G (p.Leu734Arg)

Gene: NPHS1 (NPHS1 adhesion molecule, nephrin; minus strand). Cytogenetic location: 19q13.12.
Variant type: single nucleotide variant.
Coding change: c.2201T>G on transcript NM_004646.4 (MANE Select); coding-DNA position 2201, T replaced by G.
Protein change: p.Leu734Arg; replaces leucine 734 with arginine.
Molecular consequence: missense variant.
Genome position (GRCh38, 1-based): chr19:35,844,114, A>C on the plus strand (T>G on the coding strand, the complement: NPHS1 is on the minus strand). VCF-style: chr19-35844114-A-C. GRCh37 (hg19) VCF-style: chr19-36335016-A-C.
Other names: short protein forms L734R.
Identifiers: ClinVar variation 890217 (VCV000890217.10), dbSNP rs781209508, ClinGen allele CA405397175.